The following is an entry in ClinVar:

NM_015466.4(PTPN23):c.4130A>G (p.His1377Arg)

Gene: PTPN23 (protein tyrosine phosphatase non-receptor type 23; plus strand). Cytogenetic location: 3p21.31.
Variant type: single nucleotide variant.
Coding change: c.4130A>G on transcript NM_015466.4 (MANE Select); coding-DNA position 4130, A replaced by G.
Protein change: p.His1377Arg; replaces histidine 1377 with arginine.
Molecular consequence: missense variant.
Genome position (GRCh38, 1-based): chr3:47,412,150, A>G. VCF-style: chr3-47412150-A-G. GRCh37 (hg19) VCF-style: chr3-47453640-A-G.
Other names: c.3752A>G, p.His1251Arg (NM_001304482.2); short protein forms H1251R, H1377R.
Identifiers: ClinVar variation 2113305 (VCV002113305.4), dbSNP rs780030026, ClinGen allele CA2366473.

ClinVar aggregate classification (germline): Uncertain significance (1 of 4 stars; one submission).

Allele frequency attached by ClinVar (database versions not stated): gnomAD exomes below 0.00001; ExAC 0.00001.
gnomAD v4.1: 2 of 1,613,188 alleles (0.00012%); highest among the groups gnomAD compares: Non-Finnish European, 0.00017%; no homozygotes.

Submission:

Labcorp Genetics (formerly Invitae), Labcorp
Classification: Uncertain significance. Last evaluated: 2022-05-03. Review status: criteria provided, single submitter. Criteria: Invitae Variant Classification Sherloc (09022015). Collection method: clinical testing. Allele origin: germline.
Comment: In summary, the available evidence is currently insufficient to determine the role of this variant in disease. Therefore, it has been classified as a Variant of Uncertain Significance. Algorithms developed to predict the effect of missense changes on protein structure and function are either unavailable or do not agree on the potential impact of this missense change (SIFT: "Tolerated"; PolyPhen-2: "Probably Damaging"; Align-GVGD: "Class C0"). This variant has not been reported in the literature in individuals affected with PTPN23-related conditions. This variant is present in population databases (rs780030026, gnomAD 0.0009%). This sequence change replaces histidine, which is basic and polar, with arginine, which is basic and polar, at codon 1377 of the PTPN23 protein (p.His1377Arg).